The following is an entry in ClinVar:

ClinVar aggregate classification (germline): Conflicting classifications of pathogenicity. Review status: criteria provided, conflicting classifications (1 of 4 stars). 3 submissions from 3 submitters: Uncertain significance (1); Likely benign (1). 1 of the submissions does not count toward it. Last evaluated 2026-01-12.

Conditions:
CYP4F22-related disorder. Also called: CYP4F22-related condition.

Allele frequency attached by ClinVar (database versions not stated): ESP Exome Variant Server 0.00238; gnomAD exomes 0.00013 and 0.00033; ExAC 0.00045; TOPMed 0.00134; gnomAD 0.00135 and 0.00140; 1000 Genomes Project 0.00160; 1000 Genomes Project 30x 0.00172.
gnomAD v4.1: 385 of 1,614,180 alleles (0.024%); highest among the groups gnomAD compares: African/African-American, 0.49%; 2 homozygotes.

Submissions (3):

Labcorp Genetics (formerly Invitae), Labcorp
Classification: Likely benign. Last evaluated: 2026-01-12. Review status: criteria provided, single submitter. Criteria: Invitae Variant Classification Sherloc (09022015). Collection method: clinical testing. Allele origin: germline.

GeneDx
Classification: Uncertain significance. Last evaluated: 2020-09-21. Review status: criteria provided, single submitter. Criteria: GeneDx Variant Classification Process June 2021. Collection method: clinical testing. Allele origin: germline. Affected: yes.
Comment: Has not been previously published as pathogenic or benign to our knowledge; In silico analysis supports that this missense variant has a deleterious effect on protein structure/function

PreventionGenetics, part of Exact Sciences
Classification: Likely benign for CYP4F22-related condition. Last evaluated: 2023-07-20. Review status: no assertion criteria provided. Collection method: clinical testing. Allele origin: germline. Not counted in ClinVar's aggregate classification.
Comment: This variant is classified as likely benign based on ACMG/AMP sequence variant interpretation guidelines (Richards et al. 2015 PMID: 25741868, with internal and published modifications).

NM_173483.4(CYP4F22):c.463C>T (p.His155Tyr)

Gene: CYP4F22 (cytochrome P450 family 4 subfamily F member 22; plus strand). Cytogenetic location: 19p13.12.
Variant type: single nucleotide variant.
Coding change: c.463C>T on transcript NM_173483.4 (MANE Select); coding-DNA position 463, C replaced by T.
Protein change: p.His155Tyr; replaces histidine 155 with tyrosine.
Molecular consequence: missense variant.
Genome position (GRCh38, 1-based): chr19:15,537,576, C>T. VCF-style: chr19-15537576-C-T. GRCh37 (hg19) VCF-style: chr19-15648387-C-T.
Other names: short protein forms H155Y.
Identifiers: ClinVar variation 717640 (VCV000717640.13), dbSNP rs141382984, ClinGen allele CA9269593.